The following is an entry in ClinVar:

NM_005458.8(GABBR2):c.*7G>A

Gene: GABBR2 (gamma-aminobutyric acid type B receptor subunit 2; minus strand). Cytogenetic location: 9q22.33.
Variant type: single nucleotide variant.
Coding change: c.*7G>A on transcript NM_005458.8 (MANE Select); 7 bases downstream of the stop codon, G replaced by A.
Molecular consequence: 3 prime UTR variant.
Genome position (GRCh38, 1-based): chr9:98,290,577, C>T on the plus strand (G>A on the coding strand, the complement: GABBR2 is on the minus strand). VCF-style: chr9-98290577-C-T. GRCh37 (hg19) VCF-style: chr9-101052859-C-T.
Other names: c.*7G>A (NM_005458.7).
Identifiers: ClinVar variation 1257809 (VCV001257809.5), dbSNP rs370717972, ClinGen allele CA5152355.

ClinVar aggregate classification (germline): Benign/Likely benign. Review status: criteria provided, multiple submitters, no conflicts (2 of 4 stars). 3 submissions from 3 submitters: Benign (1); Likely benign (1). 1 of the submissions does not count toward it. Last evaluated 2024-10-22.

Conditions:
GABBR2-related disorder. Also called: GABBR2-related condition; GABBR2-related disorders.

Allele frequency attached by ClinVar (database versions not stated): gnomAD exomes 0.00039; ExAC 0.00063; ESP Exome Variant Server 0.00085.
gnomAD v4.1: 1,093 of 1,371,074 alleles (0.08%); highest among the groups gnomAD compares: Non-Finnish European, 0.095%; no homozygotes.

Submissions (3):

Blueprint Genetics
Classification: Likely benign. Last evaluated: 2024-10-22. Review status: criteria provided, single submitter. Criteria: ACMG Guidelines, 2015. Collection method: clinical testing. Allele origin: germline.

GeneDx
Classification: Benign. Last evaluated: 2021-05-11. Review status: criteria provided, single submitter. Criteria: GeneDx Variant Classification Process June 2021. Collection method: clinical testing. Allele origin: germline. Affected: yes.

PreventionGenetics, part of Exact Sciences
Classification: Likely benign for GABBR2-related condition. Last evaluated: 2019-03-28. Review status: no assertion criteria provided. Collection method: clinical testing. Allele origin: germline. Not counted in ClinVar's aggregate classification.
Comment: This variant is classified as likely benign based on ACMG/AMP sequence variant interpretation guidelines (Richards et al. 2015 PMID: 25741868, with internal and published modifications).